The following is an entry in ClinVar:

NM_002834.5(PTPN11):c.652A>G (p.Thr218Ala)

Gene: PTPN11 (protein tyrosine phosphatase non-receptor type 11; plus strand). Cytogenetic location: 12q24.13.
Variant type: single nucleotide variant.
Coding change: c.652A>G on transcript NM_002834.5 (MANE Select); coding-DNA position 652, A replaced by G.
Protein change: p.Thr218Ala; replaces threonine 218 with alanine.
Molecular consequence: missense variant.
Genome position (GRCh38, 1-based): chr12:112,455,959, A>G. VCF-style: chr12-112455959-A-G. GRCh37 (hg19) VCF-style: chr12-112893763-A-G.
Other names: c.652A>G, p.Thr218Ala (NM_001330437.2, NM_080601.3); c.649A>G, p.Thr217Ala (NM_001374625.1); short protein forms T218A, T217A.
Identifiers: ClinVar variation 503545 (VCV000503545.10), dbSNP rs768555552, ClinGen allele CA6798618.

ClinVar aggregate classification (germline): Uncertain significance. Review status: criteria provided, multiple submitters, no conflicts (2 of 4 stars). 5 submissions from 5 submitters: Uncertain significance (5). Last evaluated 2025-03-10.

Conditions:
RASopathy. Also called: Noonan spectrum disorder; rasopathies. Identifiers: Orphanet 536391, MedGen C5555857, MONDO:0021060.
Inborn genetic diseases. Identifiers: MedGen C0950123, MeSH D030342.

Allele frequency attached by ClinVar (database versions not stated): gnomAD exomes below 0.00001; ExAC 0.00001.

Submissions (5):

Labcorp Genetics (formerly Invitae), Labcorp
Classification: Uncertain significance for RASopathy. Last evaluated: 2025-03-10. Review status: criteria provided, single submitter. Criteria: Invitae Variant Classification Sherloc (09022015). Collection method: clinical testing. Allele origin: germline.
Comment: This sequence change replaces threonine, which is neutral and polar, with alanine, which is neutral and non-polar, at codon 218 of the PTPN11 protein (p.Thr218Ala). This variant is present in population databases (rs768555552, gnomAD 0.0009%). This variant has not been reported in the literature in individuals affected with PTPN11-related conditions. ClinVar contains an entry for this variant (Variation ID: 503545). Invitae Evidence Modeling of protein sequence and biophysical properties (such as structural, functional, and spatial information, amino acid conservation, physicochemical variation, residue mobility, and thermodynamic stability) indicates that this missense variant is not expected to disrupt PTPN11 protein function with a negative predictive value of 95%. In summary, the available evidence is currently insufficient to determine the role of this variant in disease. Therefore, it has been classified as a Variant of Uncertain Significance.

GeneDx
Classification: Uncertain significance. Last evaluated: 2024-11-01. Review status: criteria provided, single submitter. Criteria: GeneDx Variant Classification Process June 2021. Collection method: clinical testing. Allele origin: germline. Affected: yes.
Comment: Identified in a patient with hypertrophic cardiomyopathy in published literature; however, further clinical details were not provided (PMID: 29696744); In silico analysis indicates that this missense variant does not alter protein structure/function; This variant is associated with the following publications: (PMID: 29696744)

Women's Health and Genetics/Laboratory Corporation of America, LabCorp
Classification: Uncertain significance. Last evaluated: 2022-05-23. Review status: criteria provided, single submitter. Criteria: LabCorp Variant Classification Summary - May 2015. Collection method: clinical testing. Allele origin: germline.
Comment: Variant summary: PTPN11 c.652A>G (p.Thr218Ala) results in a non-conservative amino acid change in the encoded protein sequence. Three of five in-silico tools predict a benign effect of the variant on protein function. The variant allele was found at a frequency of 4e-06 in 251248 control chromosomes. The available data on variant occurrences in the general population are insufficient to allow any conclusion about variant significance. c.652A>G has been reported in the literature in an individual referred for genetic testing for hypertrophic cardiomyopathy (Ceyhan-Birsoy_2018). This report does not provide unequivocal conclusions about association of the variant with Noonan Syndrome. To our knowledge, no experimental evidence demonstrating an impact on protein function has been reported. Two clinical diagnostic laboratories have submitted clinical-significance assessments for this variant to ClinVar after 2014 without evidence for independent evaluation. All laboratories classified the variant as uncertain significance. Based on the evidence outlined above, the variant was classified as uncertain significance.

Ambry Genetics
Classification: Uncertain significance for Inborn genetic diseases. Last evaluated: 2018-08-02. Review status: criteria provided, single submitter. Criteria: Ambry exome assertion method (8-5-2015). Collection method: clinical testing. Allele origin: germline. Affected: yes. Observed: 1 variant allele.

Laboratory for Molecular Medicine, Mass General Brigham Personalized Medicine
Classification: Uncertain significance. Last evaluated: 2018-03-06. Review status: criteria provided, single submitter. Criteria: LMM Criteria. Collection method: clinical testing. Allele origin: germline.
Comment: Disclaimer: This variant has not undergone full assessment. The following are preliminary notes: Gnomad 12:112893763 A / G in 1/ 111530 Europeans, not in ClinVar, HGMD, or Google search; change to alanine seen in 2 fish; predicted benign by polyphen

Literature cited by the submitters: PubMed 29696744 (cited by Women's Health and Genetics/Laboratory Corporation of America, LabCorp).